The following is an entry in ClinVar:

NM_005005.3(NDUFB9):c.505T>C (p.Tyr169His)

Gene: NDUFB9 (NADH:ubiquinone oxidoreductase subunit B9; plus strand). Cytogenetic location: 8q24.13.
Variant type: single nucleotide variant.
Coding change: c.505T>C on transcript NM_005005.3 (MANE Select); coding-DNA position 505, T replaced by C.
Protein change: p.Tyr169His; replaces tyrosine 169 with histidine.
Molecular consequence: missense variant.
Genome position (GRCh38, 1-based): chr8:124,549,857, T>C. VCF-style: chr8-124549857-T-C. GRCh37 (hg19) VCF-style: chr8-125562098-T-C.
Other names: c.337T>C, p.Tyr113His (NM_001278645.2); c.376T>C, p.Tyr126His (NM_001278646.2); c.472T>C, p.Tyr158His (NM_001311168.2); short protein forms Y158H, Y113H, Y126H, Y169H.
Identifiers: ClinVar variation 2018306 (VCV002018306.4), dbSNP rs2537415272, ClinGen allele CA372177539.
Genomic context (GRCh38, chr8:124,549,857, plus strand): 5'-CCTTTAACTGAAGCTTTGCCCCCTGCCCGAAAGGAAGGTGATTTGCCCCCACTGTGGTGG[T>C]ATATTGTGACCAGACCCCGGGAGCGGCCCATGTAGAAAGAGAGAGACCTCATCTTTCATG-3'
Protein context (NP_004996.1, residues 159-179): KEGDLPPLWW[Tyr169His]IVTRPRERPM

ClinVar aggregate classification (germline): Uncertain significance (1 of 4 stars; one submission).

Submission:

Labcorp Genetics (formerly Invitae), Labcorp
Classification: Uncertain significance. Last evaluated: 2021-11-30. Review status: criteria provided, single submitter. Criteria: Invitae Variant Classification Sherloc (09022015). Collection method: clinical testing. Allele origin: germline.
Comment: This sequence change replaces tyrosine, which is neutral and polar, with histidine, which is basic and polar, at codon 169 of the NDUFB9 protein (p.Tyr169His). This variant is not present in population databases (gnomAD no frequency). This variant has not been reported in the literature in individuals affected with NDUFB9-related conditions. Algorithms developed to predict the effect of missense changes on protein structure and function output the following: SIFT: "Tolerated"; PolyPhen-2: "Benign"; Align-GVGD: "Class C0". The histidine amino acid residue is found in multiple mammalian species, which suggests that this missense change does not adversely affect protein function. In summary, the available evidence is currently insufficient to determine the role of this variant in disease. Therefore, it has been classified as a Variant of Uncertain Significance.